The following is an entry in ClinVar:

ClinVar aggregate classification (germline): Uncertain significance (1 of 4 stars; one submission).

Conditions:
Emery-Dreifuss muscular dystrophy 4, autosomal dominant (EDMD4). Also called: EMERY-DREIFUSS MUSCULAR DYSTROPHY 4 WITH VARIABLE FEATURES. Identifiers: Orphanet 261, MedGen C2751807, MONDO:0013071, OMIM 612998.
Autosomal recessive ataxia, Beauce type. Also called: Spinocerebellar ataxia, autosomal recessive 8; ATAXIA, RECESSIVE, OF BEAUCE; SYNE1 Deficiency; SYNE1-Related Autosomal Recessive Cerebellar Ataxia. Identifiers: Orphanet 88644, MedGen C1853116, MONDO:0012549, OMIM 610743.

Allele frequency attached by ClinVar (database versions not stated): gnomAD 0.00001; TOPMed 0.00001.
gnomAD v4.1: 8 of 1,613,996 alleles (0.0005%); highest among the groups gnomAD compares: East Asian, 0.0022%; no homozygotes.

Submission:

Labcorp Genetics (formerly Invitae), Labcorp
Classification: Uncertain significance for Emery-Dreifuss muscular dystrophy 4, autosomal dominant; Autosomal recessive ataxia, Beauce type. Last evaluated: 2025-11-12. Review status: criteria provided, single submitter. Criteria: Invitae Variant Classification Sherloc (09022015). Collection method: clinical testing. Allele origin: germline.
Comment: This sequence change replaces arginine, which is basic and polar, with glutamine, which is neutral and polar, at codon 3479 of the SYNE1 protein (p.Arg3479Gln). This variant is present in population databases (no rsID available, gnomAD 0.0009%). This variant has not been reported in the literature in individuals affected with SYNE1-related conditions. ClinVar contains an entry for this variant (Variation ID: 1508318). An algorithm developed to predict the effect of missense changes on protein structure and function (PolyPhen-2) suggests that this variant is likely to be tolerated. In summary, the available evidence is currently insufficient to determine the role of this variant in disease. Therefore, it has been classified as a Variant of Uncertain Significance.

NM_182961.4(SYNE1):c.10415G>A (p.Arg3472Gln)

Gene: SYNE1 (spectrin repeat containing nuclear envelope protein 1; minus strand). Cytogenetic location: 6q25.2.
Variant type: single nucleotide variant.
Coding change: c.10415G>A on transcript NM_182961.4 (MANE Select); coding-DNA position 10415, G replaced by A.
Protein change: p.Arg3472Gln; replaces arginine 3472 with glutamine.
Molecular consequence: missense variant.
Genome position (GRCh38, 1-based): chr6:152,359,343, C>T on the plus strand (G>A on the coding strand, the complement: SYNE1 is on the minus strand). VCF-style: chr6-152359343-C-T. GRCh37 (hg19) VCF-style: chr6-152680478-C-T.
Other names: c.10436G>A, p.Arg3479Gln (NM_033071.5); short protein forms R3479Q, R3472Q.
Identifiers: ClinVar variation 1508318 (VCV001508318.8), dbSNP rs1255278240, ClinGen allele CA366128283.